The following is an entry in ClinVar:

NM_152703.5(SAMD9L):c.4279T>G (p.Tyr1427Asp)

Gene: SAMD9L (sterile alpha motif domain containing 9 like; minus strand). Cytogenetic location: 7q21.2.
Variant type: single nucleotide variant.
Coding change: c.4279T>G on transcript NM_152703.5 (MANE Select); coding-DNA position 4279, T replaced by G.
Protein change: p.Tyr1427Asp; replaces tyrosine 1427 with aspartic acid.
Molecular consequence: missense variant.
Genome position (GRCh38, 1-based): chr7:93,131,693, A>C on the plus strand (T>G on the coding strand, the complement: SAMD9L is on the minus strand). VCF-style: chr7-93131693-A-C. GRCh37 (hg19) VCF-style: chr7-92761006-A-C.
Other names: c.4279T>G, p.Tyr1427Asp (NM_001303496.3, NM_001303497.3, NM_001303498.3 and 5 more transcripts); short protein forms Y1427D.
Identifiers: ClinVar variation 3792286 (VCV003792286.1).

ClinVar aggregate classification (germline): Uncertain significance (1 of 4 stars; one submission).

Conditions:
Inborn genetic diseases. Identifiers: MedGen C0950123, MeSH D030342.

Submission:

Ambry Genetics
Classification: Uncertain significance for Inborn genetic diseases. Last evaluated: 2025-01-06. Review status: criteria provided, single submitter. Criteria: Ambry Variant Classification Scheme 2023. Collection method: clinical testing. Allele origin: germline.
Comment: The p.Y1427D variant (also known as c.4279T>G), located in coding exon 1 of the SAMD9L gene, results from a T to G substitution at nucleotide position 4279. The tyrosine at codon 1427 is replaced by aspartic acid, an amino acid with highly dissimilar properties. This amino acid position is conserved. In addition, the in silico prediction for this alteration is inconclusive. Based on the available evidence, the clinical significance of this variant remains unclear.